The following is an entry in ClinVar:

NM_007194.4(CHEK2):c.593T>A (p.Val198Asp)

Gene: CHEK2 (checkpoint kinase 2; minus strand). Cytogenetic location: 22q12.1.
Variant type: single nucleotide variant.
Coding change: c.593T>A on transcript NM_007194.4 (MANE Select); coding-DNA position 593, T replaced by A.
Protein change: p.Val198Asp; replaces valine 198 with aspartic acid.
Molecular consequence: missense variant. On other transcripts: 5 prime UTR variant (2), intron variant (1).
Genome position (GRCh38, 1-based): chr22:28,719,485, A>T on the plus strand (T>A on the coding strand, the complement: CHEK2 is on the minus strand). VCF-style: chr22-28719485-A-T. GRCh37 (hg19) VCF-style: chr22-29115473-A-T.
Other names: c.722T>A, p.Val241Asp (NM_001005735.3, NM_001438294.1); c.-71T>A (NM_001257387.3, NM_001437942.1); c.686T>A, p.Val229Asp (NM_001438293.1, NM_001438295.1); c.593T>A, p.Val198Asp (NM_145862.3); c.482+5401T>A (NM_001349956.3); short protein forms V241D, V198D, V229D.
Identifiers: ClinVar variation 2833394 (VCV002833394.3), dbSNP rs1601806153, ClinGen allele CA411105160.

ClinVar aggregate classification (germline): Uncertain significance (1 of 4 stars; one submission).

Conditions:
Familial cancer of breast. Also called: hereditary breast carcinoma; BREAST CANCER, FAMILIAL; Hereditary breast cancer. Identifiers: Orphanet 227535, MedGen C0346153, MONDO:0016419, OMIM 114480. Disease mechanism: loss of function.

Submission:

Labcorp Genetics (formerly Invitae), Labcorp
Classification: Uncertain significance for Familial cancer of breast. Last evaluated: 2023-02-01. Review status: criteria provided, single submitter. Criteria: Invitae Variant Classification Sherloc (09022015). Collection method: clinical testing. Allele origin: germline.
Comment: Algorithms developed to predict the effect of missense changes on protein structure and function are either unavailable or do not agree on the potential impact of this missense change (SIFT: "Deleterious"; PolyPhen-2: "Probably Damaging"; Align-GVGD: "Class C15"). Algorithms developed to predict the effect of sequence changes on RNA splicing suggest that this variant may disrupt the consensus splice site. In summary, the available evidence is currently insufficient to determine the role of this variant in disease. Therefore, it has been classified as a Variant of Uncertain Significance. This variant has not been reported in the literature in individuals affected with CHEK2-related conditions. This variant is not present in population databases (gnomAD no frequency). This sequence change replaces valine, which is neutral and non-polar, with aspartic acid, which is acidic and polar, at codon 198 of the CHEK2 protein (p.Val198Asp).